The following is an entry in ClinVar:

ClinVar aggregate classification (germline): Uncertain significance (1 of 4 stars; one submission).

Conditions:
Capillary malformation-arteriovenous malformation syndrome. Also called: Capillary malformation-arteriovenous malformation. Identifiers: Orphanet 137667, MedGen C1842180, MONDO:0012016.

Submission:

Labcorp Genetics (formerly Invitae), Labcorp
Classification: Uncertain significance for Capillary malformation-arteriovenous malformation syndrome. Last evaluated: 2023-01-10. Review status: criteria provided, single submitter. Criteria: Invitae Variant Classification Sherloc (09022015). Collection method: clinical testing. Allele origin: germline.
Comment: This variant is not present in population databases (gnomAD no frequency). In summary, the available evidence is currently insufficient to determine the role of this variant in disease. Therefore, it has been classified as a Variant of Uncertain Significance. Algorithms developed to predict the effect of missense changes on protein structure and function (SIFT, PolyPhen-2, Align-GVGD) all suggest that this variant is likely to be tolerated. This variant has not been reported in the literature in individuals affected with RASA1-related conditions. This sequence change replaces proline, which is neutral and non-polar, with leucine, which is neutral and non-polar, at codon 442 of the RASA1 protein (p.Pro442Leu).

NM_002890.3(RASA1):c.1325C>T (p.Pro442Leu)

Genes: CCNH (cyclin H; minus strand), RASA1 (RAS p21 protein activator 1; plus strand). Cytogenetic location: 5q14.3.
Variant type: single nucleotide variant.
Coding change: c.1325C>T on transcript NM_002890.3 (MANE Select); coding-DNA position 1325, C replaced by T.
Protein change: p.Pro442Leu; replaces proline 442 with leucine.
Molecular consequence: missense variant. On other transcripts: intron variant (1).
Genome position (GRCh38, 1-based): chr5:87,353,228, C>T. VCF-style: chr5-87353228-C-T. GRCh37 (hg19) VCF-style: chr5-86649045-C-T.
Other names: c.794C>T, p.Pro265Leu (NM_022650.3); c.934-40433G>A (NM_001364075.2); short protein forms P442L, P265L.
Identifiers: ClinVar variation 2827405 (VCV002827405.3), dbSNP rs574202455, ClinGen allele CA121792843.